The following is an entry in ClinVar:

NM_005188.4(CBL):c.1958C>T (p.Pro653Leu)

Gene: CBL (Cbl proto-oncogene; plus strand). Cytogenetic location: 11q23.3.
Variant type: single nucleotide variant.
Coding change: c.1958C>T on transcript NM_005188.4 (MANE Select); coding-DNA position 1958, C replaced by T.
Protein change: p.Pro653Leu; replaces proline 653 with leucine.
Molecular consequence: missense variant.
Genome position (GRCh38, 1-based): chr11:119,287,868, C>T. VCF-style: chr11-119287868-C-T. GRCh37 (hg19) VCF-style: chr11-119158578-C-T.
Other names: c.1958C>T (NM_005188.2); short protein forms P653L.
Identifiers: ClinVar variation 2119173 (VCV002119173.5), dbSNP rs1949996047, ClinGen allele CA382922268.
Genomic context (GRCh38, chr11:119,287,868, plus strand): 5'-TGTGGTAAGAAAGTTGTTTTTCAACACTTTTCTTTACTTTCCAGAGTATGAATAGCAGCC[C>T]ATTAGTAGGTCCAGAGTGTGACCACCCCAAAATCAAACCTTCCTCATCTGCCAATGCCAT-3'
Protein context (NP_005179.2, residues 643-663): LDTSMSMNSS[Pro653Leu]LVGPECDHPK

ClinVar aggregate classification (germline): Uncertain significance. Review status: criteria provided, multiple submitters, no conflicts (2 of 4 stars). 2 submissions from 2 submitters: Uncertain significance (2). Last evaluated 2025-05-16.

Conditions:
Cardiovascular phenotype. Identifiers: MedGen CN230736.
RASopathy. Also called: rasopathies; Noonan spectrum disorder. Identifiers: Orphanet 536391, MedGen C5555857, MONDO:0021060.

Allele frequency attached by ClinVar (database versions not stated): TOPMed below 0.00001.

Submissions (2):

Ambry Genetics
Classification: Uncertain significance for Cardiovascular phenotype. Last evaluated: 2025-05-16. Review status: criteria provided, single submitter. Criteria: Ambry Variant Classification Scheme 2023. Collection method: clinical testing. Allele origin: germline.
Comment: The p.P653L variant (also known as c.1958C>T), located in coding exon 12 of the CBL gene, results from a C to T substitution at nucleotide position 1958. The proline at codon 653 is replaced by leucine, an amino acid with similar properties. This amino acid position is conserved. In addition, this alteration is predicted to be tolerated by in silico analysis. Based on the available evidence, the clinical significance of this variant remains unclear.

Labcorp Genetics (formerly Invitae), Labcorp
Classification: Uncertain significance for RASopathy. Last evaluated: 2022-08-02. Review status: criteria provided, single submitter. Criteria: Invitae Variant Classification Sherloc (09022015). Collection method: clinical testing. Allele origin: germline.
Comment: In summary, the available evidence is currently insufficient to determine the role of this variant in disease. Therefore, it has been classified as a Variant of Uncertain Significance. Advanced modeling of protein sequence and biophysical properties (such as structural, functional, and spatial information, amino acid conservation, physicochemical variation, residue mobility, and thermodynamic stability) performed at Invitae indicates that this missense variant is not expected to disrupt CBL protein function. This variant has not been reported in the literature in individuals affected with CBL-related conditions. This variant is not present in population databases (gnomAD no frequency). This sequence change replaces proline, which is neutral and non-polar, with leucine, which is neutral and non-polar, at codon 653 of the CBL protein (p.Pro653Leu).